The following is an entry in ClinVar:

NM_004304.5(ALK):c.2415C>G (p.Ile805Met)

Gene: ALK (ALK receptor tyrosine kinase; minus strand). Cytogenetic location: 2p23.2.
Variant type: single nucleotide variant.
Coding change: c.2415C>G on transcript NM_004304.5 (MANE Select); coding-DNA position 2415, C replaced by G.
Protein change: p.Ile805Met; replaces isoleucine 805 with methionine.
Molecular consequence: missense variant.
Genome position (GRCh38, 1-based): chr2:29,233,637, G>C on the plus strand (C>G on the coding strand, the complement: ALK is on the minus strand). VCF-style: chr2-29233637-G-C. GRCh37 (hg19) VCF-style: chr2-29456503-G-C.
Other names: c.2415C>G (NM_004304.4); short protein forms I805M.
Identifiers: ClinVar variation 2085025 (VCV002085025.6), dbSNP rs759891849, ClinGen allele CA346472324.

ClinVar aggregate classification (germline): Uncertain significance. Review status: criteria provided, multiple submitters, no conflicts (2 of 4 stars). 3 submissions from 3 submitters: Uncertain significance (3). Last evaluated 2026-01-05.

Conditions:
Hereditary cancer-predisposing syndrome. Also called: Neoplastic Syndromes, Hereditary; Tumor predisposition; Hereditary Cancer Syndrome; Hereditary neoplastic syndrome. Identifiers: Orphanet 140162, MedGen C0027672, MeSH D009386, MONDO:0015356.
Neuroblastoma, susceptibility to, 3. Also called: ALK-Related Neuroblastic Tumor Susceptibility. Identifiers: Orphanet 635, MedGen C2751681, MONDO:0013083, OMIM 613014.

Submissions (3):

Ambry Genetics
Classification: Uncertain significance for Hereditary cancer-predisposing syndrome. Last evaluated: 2026-01-05. Review status: criteria provided, single submitter. Criteria: Ambry Variant Classification Scheme 2023. Collection method: clinical testing. Allele origin: germline.
Comment: The p.I805M variant (also known as c.2415C>G), located in coding exon 14 of the ALK gene, results from a C to G substitution at nucleotide position 2415. The isoleucine at codon 805 is replaced by methionine, an amino acid with highly similar properties. This amino acid position is conserved. In addition, this alteration is predicted to be tolerated by in silico analysis. Based on the available evidence, the clinical significance of this variant remains unclear.

GeneDx
Classification: Uncertain significance. Last evaluated: 2023-07-20. Review status: criteria provided, single submitter. Criteria: GeneDx Variant Classification Process June 2021. Collection method: clinical testing. Allele origin: germline. Affected: yes.
Comment: Not observed at significant frequency in large population cohorts (gnomAD); In silico analysis supports that this missense variant does not alter protein structure/function; Has not been previously published as pathogenic or benign to our knowledge

Labcorp Genetics (formerly Invitae), Labcorp
Classification: Uncertain significance for Neuroblastoma, susceptibility to, 3. Last evaluated: 2022-03-24. Review status: criteria provided, single submitter. Criteria: Invitae Variant Classification Sherloc (09022015). Collection method: clinical testing. Allele origin: germline.
Comment: In summary, the available evidence is currently insufficient to determine the role of this variant in disease. Therefore, it has been classified as a Variant of Uncertain Significance. Algorithms developed to predict the effect of missense changes on protein structure and function are either unavailable or do not agree on the potential impact of this missense change (SIFT: "Deleterious"; PolyPhen-2: "Benign"; Align-GVGD: "Class C0"). This variant has not been reported in the literature in individuals affected with ALK-related conditions. This variant is not present in population databases (gnomAD no frequency). This sequence change replaces isoleucine, which is neutral and non-polar, with methionine, which is neutral and non-polar, at codon 805 of the ALK protein (p.Ile805Met).